The following is an entry in ClinVar:

NM_000043.6(FAS):c.953T>C (p.Ile318Thr)

Gene: FAS (Fas cell surface death receptor; plus strand). Cytogenetic location: 10q23.31.
Variant type: single nucleotide variant.
Coding change: c.953T>C on transcript NM_000043.6 (MANE Select); coding-DNA position 953, T replaced by C.
Protein change: p.Ile318Thr; replaces isoleucine 318 with threonine.
Molecular consequence: missense variant. On other transcripts: 3 prime UTR variant (2), non-coding transcript variant (7).
Genome position (GRCh38, 1-based): chr10:89,014,395, T>C. VCF-style: chr10-89014395-T-C. GRCh37 (hg19) VCF-style: chr10-90774152-T-C.
Other names: c.*276T>C (NM_001320619.2); c.890T>C, p.Ile297Thr (NM_152871.4); c.*265T>C (NM_152872.4); short protein forms I297T, I318T.
Identifiers: ClinVar variation 1391178 (VCV001391178.6), dbSNP rs1848687177, ClinGen allele CA377510187.
Genomic context (GRCh38, chr10:89,014,395, plus strand): 5'-TCAAAAAAGCCAATCTTTGTACTCTTGCAGAGAAAATTCAGACTATCATCCTCAAGGACA[T>C]TACTAGTGACTCAGAAAATTCAAACTTCAGAAATGAAATCCAAAGCTTGGTCTAGAGTGA-3'
Protein context (NP_000034.1, residues 308-328): EKIQTIILKD[Ile318Thr]TSDSENSNFR

ClinVar aggregate classification (germline): Uncertain significance (1 of 4 stars; one submission).

Conditions:
Autoimmune lymphoproliferative syndrome type 1. Also called: AUTOIMMUNE LYMPHOPROLIFERATIVE SYNDROME, TYPE I, AUTOSOMAL DOMINANT. Identifiers: Orphanet 3261, MedGen C2717884, MONDO:0011158, OMIM 601859.

Allele frequency attached by ClinVar (database versions not stated): gnomAD exomes below 0.00001.
gnomAD v4.1: 1 of 1,613,144 alleles (0.000062%); highest among the groups gnomAD compares: Non-Finnish European, 0.000085%; no homozygotes.

Submission:

Labcorp Genetics (formerly Invitae), Labcorp
Classification: Uncertain significance for Autoimmune lymphoproliferative syndrome. Last evaluated: 2023-07-14. Review status: criteria provided, single submitter. Criteria: Invitae Variant Classification Sherloc (09022015). Collection method: clinical testing. Allele origin: germline.
Comment: In summary, the available evidence is currently insufficient to determine the role of this variant in disease. Therefore, it has been classified as a Variant of Uncertain Significance. Algorithms developed to predict the effect of missense changes on protein structure and function output the following: SIFT: "Not Available"; PolyPhen-2: "Benign"; Align-GVGD: "Not Available". The threonine amino acid residue is found in multiple mammalian species, which suggests that this missense change does not adversely affect protein function. ClinVar contains an entry for this variant (Variation ID: 1391178). This variant has not been reported in the literature in individuals affected with FAS-related conditions. This variant is not present in population databases (gnomAD no frequency). This sequence change replaces isoleucine, which is neutral and non-polar, with threonine, which is neutral and polar, at codon 318 of the FAS protein (p.Ile318Thr).